The following is an entry in ClinVar:

NM_000432.4(MYL2):c.4-15G>A

Genes: MYL2 (myosin light chain 2; minus strand), LOC114827850 (VISTA enhancer hs2149; plus strand). Cytogenetic location: 12q24.11.
Variant type: single nucleotide variant.
Coding change: c.4-15G>A on transcript NM_000432.4 (MANE Select); 15 bases into the intron before coding-DNA position 4, G replaced by A.
Molecular consequence: intron variant.
Genome position (GRCh38, 1-based): chr12:110,919,208, C>T on the plus strand (G>A on the coding strand, the complement: MYL2 is on the minus strand). VCF-style: chr12-110919208-C-T. GRCh37 (hg19) VCF-style: chr12-111357012-C-T.
Other names: c.-54-15G>A (NM_001406916.1); c.4-15G>A (NM_001406745.1).
Identifiers: ClinVar variation 3074473 (VCV003074473.1), dbSNP rs2499815156, ClinGen allele CA2825002056.
Genomic context (GRCh38, chr12:110,919,208, plus strand): 5'-CGTTGGAGTTGGCGCCCCCGGCTCTCTTCTTTGCTTTCTTAGGTGCCTGGGGGAAAAAAG[C>T]ATCGATTAAAAGAGTGAGAGGCTGGGAGTCAAAAAACTAGGTCAGGCCCCTACTCTGGGT-3'

ClinVar aggregate classification (germline): Likely benign (1 of 4 stars; one submission).

Conditions:
Hypertrophic cardiomyopathy. Also called: HYPERTROPHIC MYOCARDIOPATHY. Identifiers: Orphanet 217569, MedGen C0007194, MeSH D002312, MONDO:0005045, HP:0001639.

Submission:

All of Us Research Program, National Institutes of Health
Classification: Likely benign for Hypertrophic cardiomyopathy. Last evaluated: 2023-11-20. Review status: criteria provided, single submitter. Criteria: ACMG Guidelines, 2015. Collection method: clinical testing. Allele origin: germline. Inheritance: Autosomal dominant inheritance. Observed: 1 variant allele, 1 heterozygote.
Comment: This study involves interpretation of variants in research participants for the purpose of population health screening. Participant phenotype was not available at the time of variant classification. Additional details can be found in publication PMID: 35346344, PMCID: PMC8962531